The following is an entry in ClinVar:

ClinVar aggregate classification (germline): Pathogenic/Likely pathogenic. Review status: criteria provided, multiple submitters, no conflicts (2 of 4 stars). 4 submissions from 4 submitters: Pathogenic (2); Likely pathogenic (1). 1 of the submissions does not count toward it. Last evaluated 2019-12-02.

Conditions:
Yunis-Varon syndrome (YVS). Also called: Cleidocranial dysplasia, micrognathia, absent thumbs, & distal aphalangia. Identifiers: Orphanet 3472, MedGen C1857663, MONDO:0008995, OMIM 216340.
Charcot-Marie-Tooth disease type 4. Also called: Charcot-Marie-Tooth disease, type IV; Charcot-Marie-Tooth, Type 4. Identifiers: Orphanet 64749, MedGen C4082197, MONDO:0018995.

Submissions (4):

GeneDx
Classification: Likely pathogenic. Last evaluated: 2019-12-02. Review status: criteria provided, single submitter. Criteria: GeneDx Variant Classification Process June 2021. Collection method: clinical testing. Allele origin: germline. Affected: yes.
Comment: Canonical splice site variant in a gene for which loss-of-function is a known mechanism of disease; This variant is associated with the following publications: (PMID: 31980526, 24088667)

Labcorp Genetics (formerly Invitae), Labcorp
Classification: Pathogenic for Charcot-Marie-Tooth disease type 4. Last evaluated: 2019-04-26. Review status: criteria provided, single submitter. Criteria: Invitae Variant Classification Sherloc (09022015). Collection method: clinical testing. Allele origin: germline.
Comment: Donor and acceptor splice site variants typically lead to a loss of protein function (PMID: 16199547), and loss-of-function variants in FIG4 are known to be pathogenic (PMID: 23623387). For these reasons, this variant has been classified as Pathogenic. This variant has been observed in an individual with Yunis-Varon syndrome (PMID: 24088667). In this individual the data is consistent with the variant being in trans (on the opposite chromosome) from a pathogenic variant. The frequency data for this variant in the population databases is considered unreliable, as metrics indicate poor data quality at this position in the ExAC database. This sequence change affects a donor splice site in intron 15 of the FIG4 gene. It is expected to disrupt RNA splicing and likely results in an absent or disrupted protein product.

Juno Genomics, Hangzhou Juno Genomics, Inc
Classification: Pathogenic for Yunis-Varon syndrome. Review status: criteria provided, single submitter. Criteria: ACMG Guidelines, 2015. Collection method: clinical testing. Allele origin: germline.
Comment: Absent from controls (or at extremely low frequency if recessive) in Genome Aggregation Database.;Null variant in a gene where loss of function (LOF) is a known mechanism of disease.;For recessive disorders, detected in trans with a pathogenic variant.

Inherited Neuropathy Consortium Ii, University Of Miami
Classification: Uncertain significance for Yunis-Varon syndrome. Last evaluated: 2016-01-06. Review status: no assertion criteria provided. Collection method: literature only. Allele origin: germline. Affected: yes. Not counted in ClinVar's aggregate classification.

Literature cited by the submitters: PubMed 16199547 (cited by Labcorp Genetics (formerly Invitae), Labcorp); PubMed 23623387 (cited by Labcorp Genetics (formerly Invitae), Labcorp); PubMed 24088667 (cited by Labcorp Genetics (formerly Invitae), Labcorp and Inherited Neuropathy Consortium Ii, University Of Miami).

NM_014845.6(FIG4):c.1750+1del

Gene: FIG4 (FIG4 phosphoinositide 5-phosphatase; plus strand). Cytogenetic location: 6q21.
Variant type: Deletion.
Coding change: c.1750+1del on transcript NM_014845.6 (MANE Select); the canonical splice donor site of the intron after coding-DNA position 1750, one base deleted (G; older notation c.1750+1delG).
Molecular consequence: splice donor variant.
Genome position (GRCh38, 1-based): chr6:109,766,896, G deleted; the last of 2 consecutive G bases (chr6:109,766,895-109,766,896); deleting either gives the same sequence. VCF-style (leftmost placement, unchanged base first): chr6-109766894-AG-A. GRCh37 (hg19) VCF-style: chr6-110088097-AG-A.
Other names: c.1750+1delG (NM_014845.5).
Identifiers: ClinVar variation 951641 (VCV000951641.15), dbSNP rs764770160, ClinGen allele CA3956160.